The following is an entry in ClinVar:

NM_030777.4(SLC2A10):c.1457C>A (p.Ala486Asp)

Gene: SLC2A10 (solute carrier family 2 member 10; plus strand). Cytogenetic location: 20q13.12.
Variant type: single nucleotide variant.
Coding change: c.1457C>A on transcript NM_030777.4 (MANE Select); coding-DNA position 1457, C replaced by A.
Protein change: p.Ala486Asp; replaces alanine 486 with aspartic acid.
Molecular consequence: missense variant.
Genome position (GRCh38, 1-based): chr20:46,729,398, C>A. VCF-style: chr20-46729398-C-A. GRCh37 (hg19) VCF-style: chr20-45358037-C-A.
Other names: short protein forms A486D.
Identifiers: ClinVar variation 520178 (VCV000520178.12), dbSNP rs775211875, ClinGen allele CA409273239.

ClinVar aggregate classification (germline): Uncertain significance. Review status: criteria provided, multiple submitters, no conflicts (2 of 4 stars). 2 submissions from 2 submitters: Uncertain significance (2). Last evaluated 2025-08-28.

Conditions:
Familial thoracic aortic aneurysm and aortic dissection (TAAD). Also called: Thoracic aortic aneurysms and dissections. Identifiers: Orphanet 91387, MedGen C4707243, MONDO:0019625.
Arterial tortuosity syndrome (ATORS). Identifiers: Orphanet 3342, MedGen C1859726, MONDO:0008818, OMIM 208050.

Allele frequency attached by ClinVar (database versions not stated): TOPMed below 0.00001; gnomAD 0.00001.
gnomAD v4.1: 1 of 1,613,980 alleles (0.000062%); highest among the groups gnomAD compares: Non-Finnish European, 0.000085%; no homozygotes.

Submissions (2):

Ambry Genetics
Classification: Uncertain significance for Familial thoracic aortic aneurysm and aortic dissection. Last evaluated: 2025-08-28. Review status: criteria provided, single submitter. Criteria: Ambry Variant Classification Scheme 2023. Collection method: clinical testing. Allele origin: germline.
Comment: The p.A486D variant (also known as c.1457C>A), located in coding exon 4 of the SLC2A10 gene, results from a C to A substitution at nucleotide position 1457. The alanine at codon 486 is replaced by aspartic acid, an amino acid with dissimilar properties. This amino acid position is not well conserved in available vertebrate species. In addition, the in silico prediction for this alteration is inconclusive. Since supporting evidence is limited at this time, the clinical significance of this alteration remains unclear.

Labcorp Genetics (formerly Invitae), Labcorp
Classification: Uncertain significance for Arterial tortuosity syndrome. Last evaluated: 2022-03-29. Review status: criteria provided, single submitter. Criteria: Invitae Variant Classification Sherloc (09022015). Collection method: clinical testing. Allele origin: germline.
Comment: This sequence change replaces alanine, which is neutral and non-polar, with aspartic acid, which is acidic and polar, at codon 486 of the SLC2A10 protein (p.Ala486Asp). This variant is not present in population databases (gnomAD no frequency). This variant has not been reported in the literature in individuals affected with SLC2A10-related conditions. ClinVar contains an entry for this variant (Variation ID: 520178). Advanced modeling of protein sequence and biophysical properties (such as structural, functional, and spatial information, amino acid conservation, physicochemical variation, residue mobility, and thermodynamic stability) performed at Invitae indicates that this missense variant is expected to disrupt SLC2A10 protein function. In summary, the available evidence is currently insufficient to determine the role of this variant in disease. Therefore, it has been classified as a Variant of Uncertain Significance.